The following is an entry in ClinVar:

ClinVar aggregate classification (germline): Pathogenic (1 of 4 stars; one submission).

Conditions:
Breast-ovarian cancer, familial, susceptibility to, 4. Identifiers: Orphanet 145, MedGen C3280345, MONDO:0013669, OMIM 614291.

Submission:

Labcorp Genetics (formerly Invitae), Labcorp
Classification: Pathogenic for Breast-ovarian cancer, familial, susceptibility to, 4. Last evaluated: 2022-09-15. Review status: criteria provided, single submitter. Criteria: Invitae Variant Classification Sherloc (09022015). Collection method: clinical testing. Allele origin: germline.
Comment: A gross deletion of the genomic region encompassing the full coding sequence of the RAD51D gene has been identified. Loss-of-function variants in RAD51D are known to be pathogenic (PMID: 21822267). The boundaries of this event are unknown as they extend beyond the assayed region for this gene and therefore may encompass additional genes. This variant has not been reported in the literature in individuals affected with RAD51D-related conditions. For these reasons, this variant has been classified as Pathogenic.

Literature cited by the submitters: PubMed 21822267.

NC_000017.11:g.(?_35100953)_(35119613_?)del

Gene: RAD51D (RAD51 paralog D; minus strand). Cytogenetic location: 17q12.
Variant type: Deletion.
Identifiers: ClinVar variation 831156 (VCV000831156.2).